The following is an entry in ClinVar:

ClinVar aggregate classification (germline): Pathogenic (0 of 4 stars; one submission).

Submission:

ISCA site 4
Classification: Pathogenic. Last evaluated: 2018-02-15. Review status: no assertion criteria provided. Collection method: clinical testing. Allele origin: unknown. Affected: yes. Observed: 1 variant allele.
Comment: Copy number variation identified through the course of routine clinical cytogenomic testing in postnatal populations. Clinical assertions have been curated as described in Kaminsky et al. 2011.

Copy number variation identified through the course of routine clinical cytogenomic testing in postnatal populations. Clinical assertions have been curated as described in Kaminsky, et al. 2011 (PubMed 21844811). For additional ClinGen data, please see nstd37.

GRCh38/hg38 16p11.2(chr16:29662633-30179247)x3

Variant type: copy number gain.
Change: copy number 3 (three copies instead of two) of chr16:29,662,633-30,179,247 (516.6 kb, GRCh38 coordinates, 1-based), cytogenetic band 16p11.2.
Identifiers: ClinVar variation 424862 (VCV000424862.3).